The following is an entry in ClinVar:

ClinVar aggregate classification (germline): Uncertain significance (1 of 4 stars; one submission).

Conditions:
Ullrich congenital muscular dystrophy 2 (UCMD2). Identifiers: Orphanet 75840, MedGen C4225314, MONDO:0014654, OMIM 616470.
Bethlem myopathy 2 (BTHLM2). Identifiers: Orphanet 536516, Orphanet 610, MedGen C4225313, MONDO:0034022, OMIM 616471.

Submission:

Labcorp Genetics (formerly Invitae), Labcorp
Classification: Uncertain significance for Bethlem myopathy 2; Ullrich congenital muscular dystrophy 2. Last evaluated: 2025-08-31. Review status: criteria provided, single submitter. Criteria: Invitae Variant Classification Sherloc (09022015). Collection method: clinical testing. Allele origin: germline.
Comment: This sequence change replaces aspartic acid, which is acidic and polar, with glycine, which is neutral and non-polar, at codon 1681 of the COL12A1 protein (p.Asp1681Gly). This variant is not present in population databases (gnomAD no frequency). This variant has not been reported in the literature in individuals affected with COL12A1-related conditions. Invitae Evidence Modeling of protein sequence and biophysical properties (such as structural, functional, and spatial information, amino acid conservation, physicochemical variation, residue mobility, and thermodynamic stability) has been performed for this missense variant. However, the output from this modeling did not meet the statistical confidence thresholds required to predict the impact of this variant on COL12A1 protein function. Algorithms developed to predict the effect of sequence changes on RNA splicing suggest that this variant may disrupt the consensus splice site. In summary, the available evidence is currently insufficient to determine the role of this variant in disease. Therefore, it has been classified as a Variant of Uncertain Significance.

NM_004370.6(COL12A1):c.5042A>G (p.Asp1681Gly)

Gene: COL12A1 (collagen type XII alpha 1 chain; minus strand). Cytogenetic location: 6q13.
Variant type: single nucleotide variant.
Coding change: c.5042A>G on transcript NM_004370.6 (MANE Select); coding-DNA position 5042, A replaced by G.
Protein change: p.Asp1681Gly; replaces aspartic acid 1681 with glycine.
Molecular consequence: missense variant.
Genome position (GRCh38, 1-based): chr6:75,138,877, T>C on the plus strand (A>G on the coding strand, the complement: COL12A1 is on the minus strand). VCF-style: chr6-75138877-T-C. GRCh37 (hg19) VCF-style: chr6-75848593-T-C.
Other names: c.5042A>G, p.Asp1681Gly (NM_001424113.1, NM_001424114.1); c.4769A>G, p.Asp1590Gly (NM_001424115.1); c.1550A>G, p.Asp517Gly (NM_001424116.1, NM_080645.3); short protein forms D1681G, D1590G, D517G.
Identifiers: ClinVar variation 4783031 (VCV004783031.1).